The following is an entry in ClinVar:

ClinVar aggregate classification (germline): Uncertain significance (1 of 4 stars; one submission).

Conditions:
Familial hemophagocytic lymphohistiocytosis 5. Also called: STXBP2-Related Familial Hemophagocytic Lymphohistiocytosis (STXBP2-fHLH). Identifiers: Orphanet 540, MedGen C2751293, MONDO:0013135, OMIM 613101.

Submission:

Labcorp Genetics (formerly Invitae), Labcorp
Classification: Uncertain significance for Familial hemophagocytic lymphohistiocytosis 5. Last evaluated: 2022-05-12. Review status: criteria provided, single submitter. Criteria: Invitae Variant Classification Sherloc (09022015). Collection method: clinical testing. Allele origin: germline.
Comment: In summary, the available evidence is currently insufficient to determine the role of this variant in disease. Therefore, it has been classified as a Variant of Uncertain Significance. Algorithms developed to predict the effect of missense changes on protein structure and function (SIFT, PolyPhen-2, Align-GVGD) all suggest that this variant is likely to be tolerated. This variant has not been reported in the literature in individuals affected with STXBP2-related conditions. This variant is not present in population databases (gnomAD no frequency). This sequence change replaces leucine, which is neutral and non-polar, with isoleucine, which is neutral and non-polar, at codon 534 of the STXBP2 protein (p.Leu534Ile).

NM_006949.4(STXBP2):c.1600C>A (p.Leu534Ile)

Gene: STXBP2 (syntaxin binding protein 2; plus strand). Cytogenetic location: 19p13.2.
Variant type: single nucleotide variant.
Coding change: c.1600C>A on transcript NM_006949.4 (MANE Select); coding-DNA position 1600, C replaced by A.
Protein change: p.Leu534Ile; replaces leucine 534 with isoleucine.
Molecular consequence: missense variant. On other transcripts: non-coding transcript variant (1).
Genome position (GRCh38, 1-based): chr19:7,647,415, C>A. VCF-style: chr19-7647415-C-A. GRCh37 (hg19) VCF-style: chr19-7712301-C-A.
Other names: c.1591C>A, p.Leu531Ile (NM_001127396.3); c.1633C>A, p.Leu545Ile (NM_001272034.2); c.1504C>A, p.Leu502Ile (NM_001414484.1); short protein forms L534I, L531I, L545I, L502I.
Identifiers: ClinVar variation 1993284 (VCV001993284.4), dbSNP rs2512715084, ClinGen allele CA403162039.